The following is an entry in ClinVar:

NM_001374736.1(DST):c.18357+5A>C

Gene: DST (dystonin; minus strand). Cytogenetic location: 6p12.1.
Variant type: single nucleotide variant.
Coding change: c.18357+5A>C on transcript NM_001374736.1 (MANE Select); 5 bases into the intron after coding-DNA position 18357, A replaced by C.
Molecular consequence: intron variant.
Genome position (GRCh38, 1-based): chr6:56,517,193, T>G on the plus strand (A>C on the coding strand, the complement: DST is on the minus strand). VCF-style: chr6-56517193-T-G. GRCh37 (hg19) VCF-style: chr6-56381991-T-G.
Other names: c.12000+5A>C (NM_001144769.5); c.18357+5A>C (NM_001374722.1); c.18384+5A>C (NM_001374734.1); c.11586+5A>C (NM_001144770.2); c.11139+5A>C (NM_001374730.1); c.11466+5A>C (NM_001386100.1, NM_183380.4); c.17397+5A>C (NM_001374729.1); c.10488+5A>C (NM_015548.5).
Identifiers: ClinVar variation 1488798 (VCV001488798.6), dbSNP rs377686148, ClinGen allele CA3867230.

ClinVar aggregate classification (germline): Uncertain significance (1 of 4 stars; one submission).

Conditions:
Hereditary sensory and autonomic neuropathy type 6. Also called: HSAN VI; Neuropathy, hereditary sensory and autonomic, type VI. Identifiers: Orphanet 314381, MedGen C3539003, MONDO:0013839, OMIM 614653.
Epidermolysis bullosa simplex 3, localized or generalized intermediate, with BP230 deficiency (EBS3). Also called: Epidermolysis bullosa simplex, autosomal recessive 2; Epidermolysis bullosa simplex due to BP230 deficiency. Identifiers: Orphanet 412181, MedGen C3809470, MONDO:0014180, OMIM 615425.

Allele frequency attached by ClinVar (database versions not stated): gnomAD exomes below 0.00001 and 0.00001; ExAC 0.00001; ESP Exome Variant Server 0.00008.
gnomAD v4.1: 10 of 1,607,192 alleles (0.00062%); highest among the groups gnomAD compares: Non-Finnish European, 0.00085%; no homozygotes.

Submission:

Labcorp Genetics (formerly Invitae), Labcorp
Classification: Uncertain significance for Epidermolysis bullosa simplex 3, localized or generalized intermediate, with BP230 deficiency; Hereditary sensory and autonomic neuropathy type 6. Last evaluated: 2021-06-21. Review status: criteria provided, single submitter. Criteria: Invitae Variant Classification Sherloc (09022015). Collection method: clinical testing. Allele origin: germline.
Comment: This sequence change falls in intron 52 of the DST gene. It does not directly change the encoded amino acid sequence of the DST protein. The DST gene has multiple clinically relevant transcripts. This variant occurs in alternate transcript NM_015548.4, and corresponds to NM_001723.5:c.*98324A>C in the primary transcript. It affects a nucleotide within the consensus splice site of the intron. In summary, the available evidence is currently insufficient to determine the role of this variant in disease. Therefore, it has been classified as a Variant of Uncertain Significance. Nucleotide substitutions within the consensus splice site are a relatively common cause of aberrant splicing (PMID: 17576681, 9536098). Experimental studies and prediction algorithms are not available or were not evaluated, and the effect of this variant on mRNA splicing is currently unknown. This variant is present in population databases (rs377686148, ExAC 0.001%). This variant has not been reported in the literature in individuals with DST-related conditions.

Literature cited by the submitters: PubMed 17576681; PubMed 9536098.